The following is an entry in ClinVar:

NM_017950.4(CCDC40):c.1212_1220del (p.Met404_Asn406del)

Gene: CCDC40 (coiled-coil domain 40 molecular ruler complex subunit; plus strand). Cytogenetic location: 17q25.3.
Variant type: Deletion.
Coding change: c.1212_1220del on transcript NM_017950.4 (MANE Select); coding-DNA positions 1212 to 1220, 9 bases deleted (GCAGAACAT; older notation c.1212_1220delGCAGAACAT).
Protein change: p.Met404_Asn406del.
Molecular consequence: inframe deletion.
Genome position (GRCh38, 1-based): chr17:80,058,546-80,058,554, GCAGAACAT deleted; deleting any 9 consecutive bases within chr17:80,058,542-80,058,554 gives the same sequence; the c. name uses the placement nearest the transcript's 3' end. VCF-style (leftmost placement, unchanged base first): chr17-80058541-TACATGCAGA-T. GRCh37 (hg19) VCF-style: chr17-78032340-TACATGCAGA-T.
Other names: c.1212_1220del, p.Met404_Asn406del (NM_001243342.2, NM_001330508.2).
Identifiers: ClinVar variation 1409422 (VCV001409422.5), dbSNP rs775672044, ClinGen allele CA8813737.
Genomic context (GRCh38, chr17:80,058,541, plus strand): 5'-CCGCGCCCCGCAGTGGCGGCTCTGCAGACTGAGATGGAGAACTTGGCCCTGCATCTCTTC[TACATGCAGA>T]ACATCGACCAGGACATGCGTGACGACATCCGCGTGATGACACAAGTGGTAAAGAAGGCCG-3'

ClinVar aggregate classification (germline): Uncertain significance (1 of 4 stars; one submission).

Conditions:
Primary ciliary dyskinesia. Also called: Ciliary dyskinesia. Identifiers: Orphanet 244, MedGen C0008780, MONDO:0016575, HP:0012265.

Submission:

Labcorp Genetics (formerly Invitae), Labcorp
Classification: Uncertain significance for Primary ciliary dyskinesia. Last evaluated: 2021-09-01. Review status: criteria provided, single submitter. Criteria: Invitae Variant Classification Sherloc (09022015). Collection method: clinical testing. Allele origin: germline.
Comment: This variant, c.1212_1220del, results in the deletion of 3 amino acid(s) of the CCDC40 protein (p.Met404_Asn406del), but otherwise preserves the integrity of the reading frame. The frequency data for this variant in the population databases is considered unreliable, as metrics indicate poor data quality at this position in the ExAC database. This variant has not been reported in the literature in individuals affected with CCDC40-related conditions. Experimental studies and prediction algorithms are not available or were not evaluated, and the functional significance of this variant is currently unknown. In summary, the available evidence is currently insufficient to determine the role of this variant in disease. Therefore, it has been classified as a Variant of Uncertain Significance.